The following is an entry in ClinVar:

ClinVar aggregate classification (germline): Likely pathogenic (3 of 4 stars; one submission).

Conditions:
Phenylketonuria (PKU). Also called: FOLLING DISEASE; Phenylketonuria (PKU); OLIGOPHRENIA PHENYLPYRUVICA; Phenylketonurias. Identifiers: Orphanet 716, MedGen C0031485, MONDO:0009861, OMIM 261600. Disease mechanism: loss of function.

Submission:

ClinGen PAH Variant Curation Expert Panel
Classification: Likely pathogenic for Phenylketonuria. Last evaluated: 2019-12-22. Review status: reviewed by expert panel. Criteria: ClinGen PAH ACMG Specifications v1. Collection method: curation. Allele origin: germline. Inheritance: Autosomal recessive inheritance.
Comment: The c.1146C>G (p.Phe382Leu) variant in PAH has been reported in at least 1 individual with mild HPA (PP4; PMID: 18346471). The compound heterozygous individual also harbored the known pathogenic variant Arg252Trp (ClinVar 584) (PM3_suppporting). The c.1146C>G variant is absent in population databases (PM2). Computational prediction tools suggest that the variant may impact the protein (PP3). This variant generates the same amino acid change as c.1144T>C (p.Phe382Leu) which has been interpreted as Pathogenic by the ClinGen PAH Expert Panel (PS1). In summary, this variant meets criteria to be classified as likely pathogenic for PAH. PAH-specific ACMG/AMP criteria applied: PS1, PM2, PP4, PM3_supporting, PP3.

Literature cited by the submitters: PubMed 18346471.

NM_000277.3(PAH):c.1146C>G (p.Phe382Leu)

Gene: PAH (phenylalanine hydroxylase; minus strand). Cytogenetic location: 12q23.2.
Variant type: single nucleotide variant.
Coding change: c.1146C>G on transcript NM_000277.3 (MANE Select); coding-DNA position 1146, C replaced by G.
Protein change: p.Phe382Leu; replaces phenylalanine 382 with leucine.
Molecular consequence: missense variant.
Genome position (GRCh38, 1-based): chr12:102,843,699, G>C on the plus strand (C>G on the coding strand, the complement: PAH is on the minus strand). VCF-style: chr12-102843699-G-C. GRCh37 (hg19) VCF-style: chr12-103237477-G-C.
Other names: c.1146C>G, p.Phe382Leu (NM_001354304.2); short protein forms F382L.
Identifiers: ClinVar variation 872835 (VCV000872835.1), dbSNP rs1874691554, ClinGen allele CA16020948.